The following is an entry in ClinVar:

ClinVar aggregate classification (germline): Uncertain significance. Review status: criteria provided, multiple submitters, no conflicts (2 of 4 stars). 2 submissions from 2 submitters: Uncertain significance (2). Last evaluated 2023-07-25.

Allele frequency attached by ClinVar (database versions not stated): gnomAD 0.00001; TOPMed 0.00002; gnomAD exomes 0.00004; ExAC 0.00023.
gnomAD v4.1: 46 of 1,373,988 alleles (0.0033%); highest among the groups gnomAD compares: Non-Finnish European, 0.0043%; 1 homozygote.

Submissions (2):

Ambry Genetics
Classification: Uncertain significance. Last evaluated: 2023-07-25. Review status: criteria provided, single submitter. Criteria: Ambry Variant Classification Scheme 2023. Collection method: clinical testing. Allele origin: germline.

Labcorp Genetics (formerly Invitae), Labcorp
Classification: Uncertain significance. Last evaluated: 2021-08-31. Review status: criteria provided, single submitter. Criteria: Invitae Variant Classification Sherloc (09022015). Collection method: clinical testing. Allele origin: germline.
Comment: This sequence change replaces proline with serine at codon 295 of the SAMD11 protein (p.Pro295Ser). The proline residue is highly conserved and there is a moderate physicochemical difference between proline and serine. This variant is present in population databases (rs775122845, ExAC 0.04%). This variant has not been reported in the literature in individuals affected with SAMD11-related conditions. Algorithms developed to predict the effect of missense changes on protein structure and function are either unavailable or do not agree on the potential impact of this missense change (SIFT: "Deleterious"; PolyPhen-2: "Possibly Damaging"; Align-GVGD: "Class C0"). In summary, the available evidence is currently insufficient to determine the role of this variant in disease. Therefore, it has been classified as a Variant of Uncertain Significance.

NM_001385641.1(SAMD11):c.1372C>T (p.Pro458Ser)

Gene: SAMD11 (sterile alpha motif domain containing 11; plus strand). Cytogenetic location: 1p36.33.
Variant type: single nucleotide variant.
Coding change: c.1372C>T on transcript NM_001385641.1 (MANE Select); coding-DNA position 1372, C replaced by T.
Protein change: p.Pro458Ser; replaces proline 458 with serine.
Molecular consequence: missense variant.
Genome position (GRCh38, 1-based): chr1:942,149, C>T. VCF-style: chr1-942149-C-T. GRCh37 (hg19) VCF-style: chr1-877529-C-T.
Other names: c.1375C>T, p.Pro459Ser (NM_001385640.1); c.883C>T, p.Pro295Ser (NM_152486.4); short protein forms P295S, P458S, P459S.
Identifiers: ClinVar variation 938016 (VCV000938016.8), dbSNP rs775122845, ClinGen allele CA502875.